The following is an entry in ClinVar:

ClinVar aggregate classification (germline): Uncertain significance (1 of 4 stars; one submission).

Allele frequency attached by ClinVar (database versions not stated): gnomAD exomes below 0.00001.
gnomAD v4.1: 3 of 1,613,994 alleles (0.00019%); highest among the groups gnomAD compares: Non-Finnish European, 0.00025%; no homozygotes.

Submission:

Labcorp Genetics (formerly Invitae), Labcorp
Classification: Uncertain significance. Last evaluated: 2022-05-03. Review status: criteria provided, single submitter. Criteria: Invitae Variant Classification Sherloc (09022015). Collection method: clinical testing. Allele origin: germline.
Comment: In summary, the available evidence is currently insufficient to determine the role of this variant in disease. Therefore, it has been classified as a Variant of Uncertain Significance. Algorithms developed to predict the effect of missense changes on protein structure and function (SIFT, PolyPhen-2, Align-GVGD) all suggest that this variant is likely to be tolerated. This variant has not been reported in the literature in individuals affected with NPAT-related conditions. This variant is not present in population databases (gnomAD no frequency). This sequence change replaces threonine, which is neutral and polar, with isoleucine, which is neutral and non-polar, at codon 647 of the NPAT protein (p.Thr647Ile).

NM_002519.3(NPAT):c.1940C>T (p.Thr647Ile)

Gene: NPAT (nuclear protein, coactivator of histone transcription; minus strand). Cytogenetic location: 11q22.3.
Variant type: single nucleotide variant.
Coding change: c.1940C>T on transcript NM_002519.3 (MANE Select); coding-DNA position 1940, C replaced by T.
Protein change: p.Thr647Ile; replaces threonine 647 with isoleucine.
Molecular consequence: missense variant.
Genome position (GRCh38, 1-based): chr11:108,173,044, G>A on the plus strand (C>T on the coding strand, the complement: NPAT is on the minus strand). VCF-style: chr11-108173044-G-A. GRCh37 (hg19) VCF-style: chr11-108043771-G-A.
Other names: c.1940C>T, p.Thr647Ile (NM_001321307.1); short protein forms T647I.
Identifiers: ClinVar variation 2133237 (VCV002133237.4), dbSNP rs2496719335, ClinGen allele CA382514025.